The following is an entry in ClinVar:

NM_145167.3(PIGM):c.452C>G (p.Ala151Gly)

Gene: PIGM (phosphatidylinositol glycan anchor biosynthesis class M; minus strand). Cytogenetic location: 1q23.2.
Variant type: single nucleotide variant.
Coding change: c.452C>G on transcript NM_145167.3 (MANE Select); coding-DNA position 452, C replaced by G.
Protein change: p.Ala151Gly; replaces alanine 151 with glycine.
Molecular consequence: missense variant.
Genome position (GRCh38, 1-based): chr1:160,031,288, G>C on the plus strand (C>G on the coding strand, the complement: PIGM is on the minus strand). VCF-style: chr1-160031288-G-C. GRCh37 (hg19) VCF-style: chr1-160001078-G-C.
Other names: short protein forms A151G.
Identifiers: ClinVar variation 4798862 (VCV004798862.1).

ClinVar aggregate classification (germline): Uncertain significance (1 of 4 stars; one submission).

Conditions:
Hypercoagulability syndrome due to glycosylphosphatidylinositol deficiency (GPIBD1). Also called: GLYCOSYLPHOSPHATIDYLINOSITOL BIOSYNTHESIS DEFECT 1. Identifiers: Orphanet 83639, MedGen C5201145, MONDO:0012465, OMIM 610293.

Submission:

Labcorp Genetics (formerly Invitae), Labcorp
Classification: Uncertain significance for Hypercoagulability syndrome due to glycosylphosphatidylinositol deficiency. Last evaluated: 2025-08-28. Review status: criteria provided, single submitter. Criteria: Invitae Variant Classification Sherloc (09022015). Collection method: clinical testing. Allele origin: germline.
Comment: This sequence change replaces alanine, which is neutral and non-polar, with glycine, which is neutral and non-polar, at codon 151 of the PIGM protein (p.Ala151Gly). This variant is not present in population databases (gnomAD no frequency). This variant has not been reported in the literature in individuals affected with PIGM-related conditions. Invitae Evidence Modeling of protein sequence and biophysical properties (such as structural, functional, and spatial information, amino acid conservation, physicochemical variation, residue mobility, and thermodynamic stability) indicates that this missense variant is not expected to disrupt PIGM protein function with a negative predictive value of 80%. In summary, the available evidence is currently insufficient to determine the role of this variant in disease. Therefore, it has been classified as a Variant of Uncertain Significance.